The following is an entry in ClinVar:

NM_024685.4(BBS10):c.1956C>T (p.Tyr652=)

Gene: BBS10 (Bardet-Biedl syndrome 10; minus strand). Cytogenetic location: 12q21.2.
Variant type: single nucleotide variant.
Coding change: c.1956C>T on transcript NM_024685.4 (MANE Select); coding-DNA position 1956, C replaced by T.
Protein change: p.Tyr652=; no amino-acid change (tyrosine 652 retained).
Molecular consequence: synonymous variant.
Genome position (GRCh38, 1-based): chr12:76,346,029, G>A on the plus strand (C>T on the coding strand, the complement: BBS10 is on the minus strand). VCF-style: chr12-76346029-G-A. GRCh37 (hg19) VCF-style: chr12-76739809-G-A.
Other names: c.1956C>T (NM_024685.3).
Identifiers: ClinVar variation 1628091 (VCV001628091.10), dbSNP rs1951754581, ClinGen allele CA481011034.

ClinVar aggregate classification (germline): Likely benign. Review status: criteria provided, multiple submitters, no conflicts (2 of 4 stars). 3 submissions from 3 submitters: Likely benign (3). Last evaluated 2026-02-20.

Conditions:
BBS10-related disorder. Also called: BBS10-related condition.
Bardet-Biedl syndrome (BBS). Identifiers: Orphanet 110, MedGen C0752166, MONDO:0015229.

Allele frequency attached by ClinVar (database versions not stated): TOPMed below 0.00001.

Submissions (3):

PreventionGenetics, part of Exact Sciences
Classification: Likely benign for BBS10-related condition. Last evaluated: 2026-02-20. Review status: criteria provided, single submitter. Criteria: ACMG Guidelines, 2015. Collection method: clinical testing. Allele origin: germline.
Comment: This variant is classified as likely benign based on ACMG/AMP sequence variant interpretation guidelines (Richards et al. 2015 PMID: 25741868, with internal and published modifications).

Blueprint Genetics
Classification: Likely benign. Last evaluated: 2021-11-11. Review status: criteria provided, single submitter. Criteria: ACMG Guidelines, 2015. Collection method: clinical testing. Allele origin: germline.

Labcorp Genetics (formerly Invitae), Labcorp
Classification: Likely benign for Bardet-Biedl syndrome. Last evaluated: 2021-02-06. Review status: criteria provided, single submitter. Criteria: Invitae Variant Classification Sherloc (09022015). Collection method: clinical testing. Allele origin: germline.